The following is an entry in ClinVar:

ClinVar aggregate classification (germline): Benign/Likely benign. Review status: criteria provided, multiple submitters, no conflicts (2 of 4 stars). 5 submissions from 4 submitters: Benign (1); Likely benign (2). 2 of the submissions do not count toward it. Last evaluated 2026-01-31.

Conditions:
GNPTAB-Related Disorders. Also called: GNPTAB-related disorder; GNPTAB-related condition. Identifiers: MedGen CN381523.
Mucolipidosis type II. Also called: Mucolipidosis II Alpha/Beta; ML II ALPHA/BETA; Mucolipidosis 2; ML 2; Inclusion cell disease; Leroy Disease. Identifiers: Orphanet 576, MedGen C2673377, MONDO:0009650, OMIM 252500.
Pseudo-Hurler polydystrophy. Also called: MUCOLIPIDOSIS IIIA; ML III; ML III ALPHA/BETA; Type III Mucolipidosis; ML IIIA; Mucolipidosis III Alpha/Beta. Identifiers: Orphanet 423461, Orphanet 577, MedGen C0033788, MONDO:0018931, OMIM 252600.

Allele frequency attached by ClinVar (database versions not stated): 1000 Genomes Project 0.00120; gnomAD 0.00018 and 0.00022; TOPMed 0.00041; gnomAD exomes 0.00061; ExAC 0.00063; 1000 Genomes Project 30x 0.00109.
gnomAD v4.1: 338 of 1,614,122 alleles (0.021%); highest among the groups gnomAD compares: East Asian, 0.7%; 1 homozygote.

Submissions (5):

Labcorp Genetics (formerly Invitae), Labcorp
Classification: Benign for Pseudo-Hurler polydystrophy; Mucolipidosis type II. Last evaluated: 2026-01-31. Review status: criteria provided, single submitter. Criteria: Invitae Variant Classification Sherloc (09022015). Collection method: clinical testing. Allele origin: germline.

Illumina Laboratory Services, Illumina
Classification: Likely benign for Mucolipidosis type II. Last evaluated: 2018-01-13. Review status: criteria provided, single submitter. Criteria: ICSL Variant Classification Criteria 13 December 2019. Collection method: clinical testing. Allele origin: germline.
Comment: This variant was observed in the ICSL laboratory as part of a predisposition screen in an ostensibly healthy population. It had not been previously curated by ICSL or reported in the Human Gene Mutation Database (HGMD: prior to June 1st, 2018), and was therefore a candidate for classification through an automated scoring system. Utilizing variant allele frequency, disease prevalence and penetrance estimates, and inheritance mode, an automated score was calculated to assess if this variant is too frequent to cause the disease. Based on the score and internal cut-off values, a variant classified as likely benign is not then subjected to further curation. The score for this variant resulted in a classification of likely benign for this disease.

Illumina Laboratory Services, Illumina
Classification: Likely benign for Pseudo-Hurler polydystrophy. Last evaluated: 2018-01-13. Review status: criteria provided, single submitter. Criteria: ICSL Variant Classification Criteria 13 December 2019. Collection method: clinical testing. Allele origin: germline.
Comment: the same text as in the submission from Illumina Laboratory Services, Illumina above.

PreventionGenetics, part of Exact Sciences
Classification: Likely benign for GNPTAB-related condition. Last evaluated: 2021-06-09. Review status: no assertion criteria provided. Collection method: clinical testing. Allele origin: germline. Not counted in ClinVar's aggregate classification.
Comment: This variant is classified as likely benign based on ACMG/AMP sequence variant interpretation guidelines (Richards et al. 2015 PMID: 25741868, with internal and published modifications).

Natera, Inc.
Classification: Benign for Mucolipidosis type II. Last evaluated: 2020-06-05. Review status: no assertion criteria provided. Collection method: clinical testing. Allele origin: germline. Not counted in ClinVar's aggregate classification.

NM_024312.5(GNPTAB):c.1750C>A (p.Pro584Thr)

Gene: GNPTAB (N-acetylglucosamine-1-phosphate transferase subunits alpha and beta; minus strand). Cytogenetic location: 12q23.2.
Variant type: single nucleotide variant.
Coding change: c.1750C>A on transcript NM_024312.5 (MANE Select); coding-DNA position 1750, C replaced by A.
Protein change: p.Pro584Thr; replaces proline 584 with threonine.
Molecular consequence: missense variant.
Genome position (GRCh38, 1-based): chr12:101,765,167, G>T on the plus strand (C>A on the coding strand, the complement: GNPTAB is on the minus strand). VCF-style: chr12-101765167-G-T. GRCh37 (hg19) VCF-style: chr12-102158945-G-T.
Other names: short protein forms P584T.
Identifiers: ClinVar variation 731869 (VCV000731869.16), dbSNP rs201829728, ClinGen allele CA6746536.
Genomic context (GRCh38, chr12:101,765,167, plus strand): 5'-TGTGCATTATGAGGTGGATGGTTTTCCACTTGTTGGCAATAGAAGCATGTCGAATTATTG[G>T]ATTGTCACTATAGGCACCTTCAACTCCTCTTTTGGCTACTTCTGCAAAGCTGAAATAAGG-3'
Protein context (NP_077288.2, residues 574-594): RGVEGAYSDN[Pro584Thr]IIRHASIANK